The following is an entry in ClinVar:

ClinVar aggregate classification (germline): Uncertain significance (1 of 4 stars; one submission).

Submissions (8):

Labcorp Genetics (formerly Invitae), Labcorp
Classification: Uncertain significance. Last evaluated: 2023-07-25. Review status: criteria provided, single submitter. Criteria: Invitae Variant Classification Sherloc (09022015). Collection method: clinical testing. Allele origin: germline.
Comment: Advanced modeling of protein sequence and biophysical properties (such as structural, functional, and spatial information, amino acid conservation, physicochemical variation, residue mobility, and thermodynamic stability) performed at Invitae indicates that this missense variant is not expected to disrupt KMT2B protein function. This variant has not been reported in the literature in individuals affected with KMT2B-related conditions. This variant is not present in population databases (gnomAD no frequency). This sequence change replaces aspartic acid, which is acidic and polar, with valine, which is neutral and non-polar, at codon 2364 of the KMT2B protein (p.Asp2364Val). In summary, the available evidence is currently insufficient to determine the role of this variant in disease. Therefore, it has been classified as a Variant of Uncertain Significance.

Dr. Peter K. Rogan Lab, Western University
No classification provided (evidence only). Condition: Thyroid cancer, nonmedullary, 1. Review status: no classification provided. Collection method: in vitro. Allele origin: not applicable. Functional consequence: retained intron. Not counted in ClinVar's aggregate classification.

Dr. Peter K. Rogan Lab, Western University
No classification provided (evidence only). Condition: Thyroid cancer, nonmedullary, 1. Review status: no classification provided. Collection method: in vitro. Allele origin: not applicable. Functional consequence: retained intron. Not counted in ClinVar's aggregate classification.

Dr. Peter K. Rogan Lab, Western University
No classification provided (evidence only). Condition: Thyroid cancer, nonmedullary, 1. Review status: no classification provided. Collection method: in vitro. Allele origin: not applicable. Functional consequence: retained intron. Not counted in ClinVar's aggregate classification.

Dr. Peter K. Rogan Lab, Western University
No classification provided (evidence only). Condition: Ovarian serous cystadenocarcinoma. Review status: no classification provided. Collection method: in vitro. Allele origin: not applicable. Functional consequence: retained intron. Not counted in ClinVar's aggregate classification.

Dr. Peter K. Rogan Lab, Western University
No classification provided (evidence only). Condition: Ovarian serous cystadenocarcinoma. Review status: no classification provided. Collection method: in vitro. Allele origin: not applicable. Functional consequence: retained intron. Not counted in ClinVar's aggregate classification.

Dr. Peter K. Rogan Lab, Western University
No classification provided (evidence only). Condition: Ovarian serous cystadenocarcinoma. Review status: no classification provided. Collection method: in vitro. Allele origin: not applicable. Functional consequence: retained intron. Not counted in ClinVar's aggregate classification.

Dr. Peter K. Rogan Lab, Western University
No classification provided (evidence only). Condition: Ovarian serous cystadenocarcinoma. Review status: no classification provided. Collection method: in vitro. Allele origin: not applicable. Functional consequence: retained intron. Not counted in ClinVar's aggregate classification.

NM_014727.3(KMT2B):c.7091A>T (p.Asp2364Val)

Gene: KMT2B (lysine methyltransferase 2B; plus strand). Cytogenetic location: 19q13.12.
Variant type: single nucleotide variant.
Coding change: c.7091A>T on transcript NM_014727.3 (MANE Select); coding-DNA position 7091, A replaced by T.
Protein change: p.Asp2364Val; replaces aspartic acid 2364 with valine.
Molecular consequence: missense variant.
Genome position (GRCh38, 1-based): chr19:35,733,804, A>T. VCF-style: chr19-35733804-A-T. GRCh37 (hg19) VCF-style: chr19-36224705-A-T.
Other names: short protein forms D2364V.
Identifiers: ClinVar variation 3008417 (VCV003008417.4), dbSNP rs231591, ClinGen allele CA405431797.